The following is an entry in ClinVar:

ClinVar aggregate classification (germline): Likely benign. Review status: criteria provided, single submitter (1 of 4 stars). 2 submissions from 2 submitters: Likely benign (1). 1 of the submissions does not count toward it. Last evaluated 2026-01-13.

Conditions:
MKS1-related disorder. Also called: MKS1-related disorders; MKS1-related condition. Identifiers: MedGen CN239382.
Joubert syndrome. Also called: Familial aplasia of the vermis; JOUBERT-BOLTSHAUSER SYNDROME. Identifiers: Orphanet 475, MedGen C5979921, MONDO:0018772.
Meckel-Gruber syndrome. Also called: Dysencephalia splachnocystica; DYSENCEPHALIA SPLANCHNOCYSTICA; GRUBER SYNDROME. Identifiers: Orphanet 564, MedGen C0265215, MONDO:0018921.

Allele frequency attached by ClinVar (database versions not stated): gnomAD exomes below 0.00001; gnomAD 0.00001; TOPMed 0.00001.
gnomAD v4.1: 3 of 1,614,044 alleles (0.00019%); highest among the groups gnomAD compares: South Asian, 0.0011%; no homozygotes.

Submissions (2):

Labcorp Genetics (formerly Invitae), Labcorp
Classification: Likely benign for Joubert syndrome; Meckel-Gruber syndrome. Last evaluated: 2026-01-13. Review status: criteria provided, single submitter. Criteria: Invitae Variant Classification Sherloc (09022015). Collection method: clinical testing. Allele origin: germline.

PreventionGenetics, part of Exact Sciences
Classification: Likely benign for MKS1-related condition. Last evaluated: 2023-11-09. Review status: no assertion criteria provided. Collection method: clinical testing. Allele origin: germline. Not counted in ClinVar's aggregate classification.
Comment: This variant is classified as likely benign based on ACMG/AMP sequence variant interpretation guidelines (Richards et al. 2015 PMID: 25741868, with internal and published modifications).

NM_017777.4(MKS1):c.978G>A (p.Glu326=)

Gene: MKS1 (MKS transition zone complex subunit 1; minus strand). Cytogenetic location: 17q22.
Variant type: single nucleotide variant.
Coding change: c.978G>A on transcript NM_017777.4 (MANE Select); coding-DNA position 978, G replaced by A.
Protein change: p.Glu326=; no amino-acid change (glutamic acid 326 retained).
Molecular consequence: synonymous variant.
Genome position (GRCh38, 1-based): chr17:58,210,705, C>T on the plus strand (G>A on the coding strand, the complement: MKS1 is on the minus strand). VCF-style: chr17-58210705-C-T. GRCh37 (hg19) VCF-style: chr17-56288066-C-T.
Other names: c.978G>A (NM_017777.3); c.369G>A, p.Glu123= (NM_001321268.2); c.978G>A, p.Glu326= (NM_001321269.2, NM_001330397.2).
Identifiers: ClinVar variation 1655661 (VCV001655661.10), dbSNP rs1246215697, ClinGen allele CA501030295.
Genomic context (GRCh38, chr17:58,210,705, plus strand): 5'-AGAATATTACTTACGAGCAGTTGGCAATTCTACAAAGAAGTGGACGTAGAGATTGTCATA[C>T]TCATAGCCTTGGGCTGAAACTACGAGAGAAAACAGGAAGCTATTTTAGCTTTTTCTCCTA-3'
Protein context (NP_060247.2, residues 316-336): NGEVVSAQGY[Glu326=]YDNLYVHFFV